The following is an entry in ClinVar:

NM_000277.3(PAH):c.712A>C (p.Thr238Pro)

Gene: PAH (phenylalanine hydroxylase; minus strand). Cytogenetic location: 12q23.2.
Variant type: single nucleotide variant.
Coding change: c.712A>C on transcript NM_000277.3 (MANE Select); coding-DNA position 712, A replaced by C.
Protein change: p.Thr238Pro; replaces threonine 238 with proline.
Molecular consequence: missense variant.
Genome position (GRCh38, 1-based): chr12:102,852,945, T>G on the plus strand (A>C on the coding strand, the complement: PAH is on the minus strand). VCF-style: chr12-102852945-T-G. GRCh37 (hg19) VCF-style: chr12-103246723-T-G.
Other names: c.712A>C, p.Thr238Pro (NM_001354304.2); short protein forms T238P.
Identifiers: ClinVar variation 102796 (VCV000102796.13), dbSNP rs199475577, ClinGen allele CA229705.
Genomic context (GRCh38, chr12:102,852,945, plus strand): 5'-GGCCACCCAAGAAATCCCGAGAGGAAAGCAGGCCAGCCACAGGTCGGAGGCGGAAACCAG[T>G]GCAAGCTGGGATGAAAAGAAGAAAGAAAACTCAAAGCTCATCACCACTGAGTCAGAGGCA-3'
Protein context (NP_000268.1, residues 228-248): EDVSQFLQTC[Thr238Pro]GFRLRPVAGL

ClinVar aggregate classification (germline): Likely pathogenic. Review status: reviewed by expert panel (3 of 4 stars). 6 submissions from 6 submitters: Likely pathogenic (1). 5 of the submissions do not count toward it. Last evaluated 2020-10-23.

Conditions:
Phenylketonuria (PKU). Also called: Phenylketonuria (PKU); FOLLING DISEASE; OLIGOPHRENIA PHENYLPYRUVICA; Phenylketonurias. Identifiers: Orphanet 716, MedGen C0031485, MONDO:0009861, OMIM 261600. Disease mechanism: loss of function.

Allele frequency attached by ClinVar (database versions not stated): gnomAD exomes 0.00001; gnomAD 0.00001.
gnomAD v4.1: 4 of 1,613,838 alleles (0.00025%); highest among the groups gnomAD compares: African/African-American, 0.0013%; no homozygotes.

Submissions (6):

ClinGen PAH Variant Curation Expert Panel
Classification: Likely pathogenic for Phenylketonuria. Last evaluated: 2020-10-23. Review status: reviewed by expert panel. Criteria: ClinGen PAH ACMG Specifications v1. Collection method: curation. Allele origin: germline. Inheritance: Autosomal recessive inheritance.
Comment: The c.712A>C (p.Thr238Pro) variant in PAH has been reported in 2 individuals with PKU, detected with pathogenic variants p.R408W (PMID: 1363786) and p.R158Q (PMID: 11295882). This variant is absent in population databases. Computational evidence supports a deleterious effect. In summary, this variant meets criteria to be classified as likely pathogenic for PAH. PAH-specific ACMG/AMP criteria applied: PP4, PM2, PM3, PP3.

Labcorp Genetics (formerly Invitae), Labcorp
Classification: Pathogenic for Phenylketonuria. Last evaluated: 2026-01-17. Review status: criteria provided, single submitter. Criteria: Invitae Variant Classification Sherloc (09022015). Collection method: clinical testing. Allele origin: germline. Not counted in ClinVar's aggregate classification.
Comment: This sequence change replaces threonine, which is neutral and polar, with proline, which is neutral and non-polar, at codon 238 of the PAH protein (p.Thr238Pro). This variant is not present in population databases (gnomAD no frequency). This missense change has been observed in individual(s) with PAH-related conditions (PMID: 1363786, 11295882). ClinVar contains an entry for this variant (Variation ID: 102796). Invitae Evidence Modeling of protein sequence and biophysical properties (such as structural, functional, and spatial information, amino acid conservation, physicochemical variation, residue mobility, and thermodynamic stability) indicates that this missense variant is expected to disrupt PAH protein function with a positive predictive value of 80%. This variant disrupts the p.Thr238 amino acid residue in PAH. Other variant(s) that disrupt this residue have been observed in individuals with PAH-related conditions (PMID: 23690520), which suggests that this may be a clinically significant amino acid residue. For these reasons, this variant has been classified as Pathogenic.

GeneDx
Classification: Pathogenic. Last evaluated: 2023-08-23. Review status: criteria provided, single submitter. Criteria: GeneDx Variant Classification Process June 2021. Collection method: clinical testing. Allele origin: germline. Affected: yes. Not counted in ClinVar's aggregate classification.
Comment: Not observed at significant frequency in large population cohorts (gnomAD); Missense variants in this gene are often considered pathogenic (HGMD); In silico analysis supports that this missense variant has a deleterious effect on protein structure/function; This variant is associated with the following publications: (PMID: 32668217, 1363786, 12655553, 11295882, 31332730, 33375644)

Women's Health and Genetics/Laboratory Corporation of America, LabCorp
Classification: Likely pathogenic for Phenylketonuria. Last evaluated: 2022-12-14. Review status: criteria provided, single submitter. Criteria: LabCorp Variant Classification Summary - May 2015. Collection method: clinical testing. Allele origin: germline. Not counted in ClinVar's aggregate classification.
Comment: Variant summary: PAH c.712A>C (p.Thr238Pro) results in a non-conservative amino acid change located in the Aromatic amino acid hydroxylase, C-terminal of the encoded protein sequence. Five of five in-silico tools predict a damaging effect of the variant on protein function. The variant was absent in 250808 control chromosomes. c.712A>C has been reported in the literature in individuals affected with Phenylalanine Hydroxylase Deficiency (Phenylketonuria), and in at least 3 cases the variant was reported in the compound heterozygous state with a known pathogenic variant (Dworniczak_1992, Rupp_2001, Kuznetcova_2019, Tresbach_2021). To our knowledge, no experimental evidence demonstrating an impact on protein function has been reported. A different variant affecting the same amino acid has been reported in association with Phenylketonuria in HGMD. Two clinical diagnostic laboratories and one expert panel have submitted clinical-significance assessments for this variant to ClinVar after 2014 without evidence for independent evaluation. One submitters classified the variant as pathogenic while one classified as VUS, and the ClinGen PAH Variant Curation Expert Panel has classified the variant as likely pathogenic. Based on the evidence outlined above, the variant was classified as likely pathogenic.

Counsyl
Classification: Uncertain significance for Phenylketonuria. Last evaluated: 2018-02-06. Review status: no assertion criteria provided. Collection method: clinical testing. Allele origin: unknown. Not counted in ClinVar's aggregate classification.

DeBelle Laboratory for Biochemical Genetics, MUHC/MCH RESEARCH INSTITUTE
No classification provided. Review status: no classification provided. Collection method: not provided. Allele origin: not provided. Not counted in ClinVar's aggregate classification.

Literature cited by the submitters: PubMed 11295882 (cited by 4 submitters); PubMed 1363786 (cited by 4 submitters); PubMed 23690520 (cited by Labcorp Genetics (formerly Invitae), Labcorp); PubMed 31332730 (cited by Women's Health and Genetics/Laboratory Corporation of America, LabCorp); PubMed 33375644 (cited by Women's Health and Genetics/Laboratory Corporation of America, LabCorp); PubMed 12655553 (cited by Counsyl).